The following is an entry in ClinVar:

NM_004991.4(MECOM):c.2703C>A (p.Asn901Lys)

Gene: MECOM (MDS1 and EVI1 complex locus; minus strand). Cytogenetic location: 3q26.2.
Variant type: single nucleotide variant.
Coding change: c.2703C>A on transcript NM_004991.4 (MANE Select); coding-DNA position 2703, C replaced by A.
Protein change: p.Asn901Lys; replaces asparagine 901 with lysine.
Molecular consequence: missense variant.
Genome position (GRCh38, 1-based): chr3:169,102,128, G>T on the plus strand (C>A on the coding strand, the complement: MECOM is on the minus strand). VCF-style: chr3-169102128-G-T. GRCh37 (hg19) VCF-style: chr3-168819916-G-T.
Other names: c.2334C>A, p.Asn778Lys (NM_001105077.4); c.2139C>A, p.Asn713Lys (NM_001105078.4, NM_001205194.2, NM_001366469.2 and 1 more transcripts); c.2115C>A, p.Asn705Lys (NM_001163999.2, NM_001366470.2); c.2112C>A, p.Asn704Lys (NM_001164000.2, NM_001366471.2, NM_001366472.2); c.2676C>A, p.Asn892Lys (NM_001366466.2); c.2142C>A, p.Asn714Lys (NM_001366467.2, NM_001366468.2); c.1704C>A, p.Asn568Lys (NM_001366473.2); c.1140C>A, p.Asn380Lys (NM_001366474.2); short protein forms N380K, N778K, N713K, N714K, N568K, N704K, N705K, N901K.
Identifiers: ClinVar variation 3394317 (VCV003394317.1).
Genomic context (GRCh38, chr3:169,102,128, plus strand): 5'-ATAGCGCTCCTTTCCCTTCCGCAGAAGGTTCTCTGGCAGGGCATTGGGAGGCGCCCTGAA[G>T]TTGAACATAGAGGGCACTGACTGTAAGAGCTCACTGGCCTCAGGTTTCAGGGCACTGAAG-3'
Protein context (NP_004982.2, residues 891-911): ELLQSVPSMF[Asn901Lys]FRAPPNALPE

ClinVar aggregate classification (germline): Uncertain significance (1 of 4 stars; one submission).

Conditions:
Inborn genetic diseases. Identifiers: MedGen C0950123, MeSH D030342.

gnomAD v4.1: 18 of 1,613,944 alleles (0.0011%); highest among the groups gnomAD compares: Non-Finnish European, 0.001%; no homozygotes.

Submission:

Ambry Genetics
Classification: Uncertain significance for Inborn genetic diseases. Last evaluated: 2024-11-25. Review status: criteria provided, single submitter. Criteria: Ambry Variant Classification Scheme 2023. Collection method: clinical testing. Allele origin: germline.
Comment: The p.N901K variant (also known as c.2703C>A), located in coding exon 11 of the MECOM gene, results from a C to A substitution at nucleotide position 2703. The asparagine at codon 901 is replaced by lysine, an amino acid with similar properties. This amino acid position is conserved. In addition, this alteration is predicted to be tolerated by in silico analysis. Based on the available evidence, the clinical significance of this variant remains unclear.